The following is an entry in ClinVar:

ClinVar aggregate classification (germline): Uncertain significance. Review status: criteria provided, multiple submitters, no conflicts (2 of 4 stars). 2 submissions from 2 submitters: Uncertain significance (2). Last evaluated 2024-03-19.

Conditions:
Hereditary cancer-predisposing syndrome. Also called: Tumor predisposition; Hereditary Cancer Syndrome; Hereditary neoplastic syndrome; Neoplastic Syndromes, Hereditary. Identifiers: Orphanet 140162, MedGen C0027672, MeSH D009386, MONDO:0015356.

Submissions (2):

Labcorp Genetics (formerly Invitae), Labcorp
Classification: Uncertain significance. Last evaluated: 2024-03-19. Review status: criteria provided, single submitter. Criteria: Invitae Variant Classification Sherloc (09022015). Collection method: clinical testing. Allele origin: germline.
Comment: This sequence change replaces phenylalanine, which is neutral and non-polar, with isoleucine, which is neutral and non-polar, at codon 1463 of the POLE protein (p.Phe1463Ile). This variant is not present in population databases (gnomAD no frequency). This variant has not been reported in the literature in individuals affected with POLE-related conditions. ClinVar contains an entry for this variant (Variation ID: 2620599). Advanced modeling of protein sequence and biophysical properties (such as structural, functional, and spatial information, amino acid conservation, physicochemical variation, residue mobility, and thermodynamic stability) performed at Invitae indicates that this missense variant is not expected to disrupt POLE protein function with a negative predictive value of 80%. In summary, the available evidence is currently insufficient to determine the role of this variant in disease. Therefore, it has been classified as a Variant of Uncertain Significance.

Ambry Genetics
Classification: Uncertain significance for Hereditary cancer-predisposing syndrome. Last evaluated: 2023-07-09. Review status: criteria provided, single submitter. Criteria: Ambry Variant Classification Scheme 2023. Collection method: clinical testing. Allele origin: germline.
Comment: The p.F1463I variant (also known as c.4387T>A), located in coding exon 34 of the POLE gene, results from a T to A substitution at nucleotide position 4387. The phenylalanine at codon 1463 is replaced by isoleucine, an amino acid with highly similar properties. This amino acid position is conserved. In addition, this alteration is predicted to be tolerated by in silico analysis. Since supporting evidence is limited at this time, the clinical significance of this alteration remains unclear.

NM_006231.4(POLE):c.4387T>A (p.Phe1463Ile)

Gene: POLE (DNA polymerase epsilon, catalytic subunit; minus strand). Cytogenetic location: 12q24.33.
Variant type: single nucleotide variant.
Coding change: c.4387T>A on transcript NM_006231.4 (MANE Select); coding-DNA position 4387, T replaced by A.
Protein change: p.Phe1463Ile; replaces phenylalanine 1463 with isoleucine.
Molecular consequence: missense variant.
Genome position (GRCh38, 1-based): chr12:132,643,464, A>T on the plus strand (T>A on the coding strand, the complement: POLE is on the minus strand). VCF-style: chr12-132643464-A-T. GRCh37 (hg19) VCF-style: chr12-133220050-A-T.
Other names: short protein forms F1463I.
Identifiers: ClinVar variation 2620599 (VCV002620599.5), dbSNP rs2138551107, ClinGen allele CA387381171.